The following is an entry in ClinVar:

NM_003737.4(DCHS1):c.2912G>A (p.Arg971Gln)

Gene: DCHS1 (dachsous cadherin-related 1; minus strand). Cytogenetic location: 11p15.4.
Variant type: single nucleotide variant.
Coding change: c.2912G>A on transcript NM_003737.4 (MANE Select); coding-DNA position 2912, G replaced by A.
Protein change: p.Arg971Gln; replaces arginine 971 with glutamine.
Molecular consequence: missense variant.
Genome position (GRCh38, 1-based): chr11:6,632,600, C>T on the plus strand (G>A on the coding strand, the complement: DCHS1 is on the minus strand). VCF-style: chr11-6632600-C-T. GRCh37 (hg19) VCF-style: chr11-6653831-C-T.
Other names: short protein forms R971Q.
Identifiers: ClinVar variation 2976169 (VCV002976169.5), dbSNP rs779370588, ClinGen allele CA217299360.

ClinVar aggregate classification (germline): Uncertain significance. Review status: criteria provided, multiple submitters, no conflicts (2 of 4 stars). 2 submissions from 2 submitters: Uncertain significance (2). Last evaluated 2025-12-24.

Allele frequency attached by ClinVar (database versions not stated): gnomAD exomes 0.00004; TOPMed 0.00006; gnomAD 0.00006.
gnomAD v4.1: 61 of 1,520,266 alleles (0.004%); highest among the groups gnomAD compares: Admixed American, 0.0083%; no homozygotes.

Submissions (2):

Labcorp Genetics (formerly Invitae), Labcorp
Classification: Uncertain significance. Last evaluated: 2025-12-24. Review status: criteria provided, single submitter. Criteria: Invitae Variant Classification Sherloc (09022015). Collection method: clinical testing. Allele origin: germline.
Comment: This sequence change replaces arginine, which is basic and polar, with glutamine, which is neutral and polar, at codon 971 of the DCHS1 protein (p.Arg971Gln). This variant is present in population databases (rs779370588, gnomAD 0.01%). This variant has not been reported in the literature in individuals affected with DCHS1-related conditions. ClinVar contains an entry for this variant (Variation ID: 2976169). Invitae Evidence Modeling of protein sequence and biophysical properties (such as structural, functional, and spatial information, amino acid conservation, physicochemical variation, residue mobility, and thermodynamic stability) indicates that this missense variant is not expected to disrupt DCHS1 protein function with a negative predictive value of 80%. In summary, the available evidence is currently insufficient to determine the role of this variant in disease. Therefore, it has been classified as a Variant of Uncertain Significance.

Dasa
Classification: Uncertain significance. Last evaluated: 2025-10-09. Review status: criteria provided, single submitter. Criteria: DASA Assertion Criteria. Collection method: clinical testing. Allele origin: germline.
Comment: NM_003737.4(DCHS1):c.2912G>A (p.Arg971Gln) is a missense variant that results in the substitution of arginine with glutamine. This variant is rare in population databases. Computational prediction algorithms are consistent with a benign effect. The currently available literature and clinical evidence are not sufficient to establish a definitive association between this variant and the reported condition. Therefore, this variant is classified as a variant of uncertain significance.